The following is an entry in ClinVar:

ClinVar aggregate classification (germline): Uncertain significance (1 of 4 stars; one submission).

Submission:

Ambry Genetics
Classification: Uncertain significance. Last evaluated: 2021-10-19. Review status: criteria provided, single submitter. Criteria: Ambry Variant Classification Scheme 2023. Collection method: clinical testing. Allele origin: germline.
Comment: The p.F270C variant (also known as c.809T>G), located in coding exon 9 of the NPAT gene, results from a T to G substitution at nucleotide position 809. The phenylalanine at codon 270 is replaced by cysteine, an amino acid with highly dissimilar properties. This amino acid position is conserved. In addition, this alteration is predicted to be tolerated by in silico analysis. Since supporting evidence is limited at this time, the clinical significance of this alteration remains unclear.

NM_002519.3(NPAT):c.809T>G (p.Phe270Cys)

Gene: NPAT (nuclear protein, coactivator of histone transcription; minus strand). Cytogenetic location: 11q22.3.
Variant type: single nucleotide variant.
Coding change: c.809T>G on transcript NM_002519.3 (MANE Select); coding-DNA position 809, T replaced by G.
Protein change: p.Phe270Cys; replaces phenylalanine 270 with cysteine.
Molecular consequence: missense variant.
Genome position (GRCh38, 1-based): chr11:108,185,412, A>C on the plus strand (T>G on the coding strand, the complement: NPAT is on the minus strand). VCF-style: chr11-108185412-A-C. GRCh37 (hg19) VCF-style: chr11-108056139-A-C.
Other names: c.809T>G, p.Phe270Cys (NM_001321307.1); short protein forms F270C.
Identifiers: ClinVar variation 1761986 (VCV001761986.2), dbSNP rs2496738069, ClinGen allele CA382520614.
Genomic context (GRCh38, chr11:108,185,412, plus strand): 5'-GTTATGCAATTAGGCAAAAACAATTAGGCATTTTAAACATATATAGCTTACCTAGTTAAA[A>C]ATTTATTTATGTTTTCTGCTAGCTTTTCTTGAAGAGATTTGTTGCTTAGTATTTTTTCTC-3'
Protein context (NP_002510.2, residues 260-280): QEKLAENINK[Phe270Cys]LTSDNNIAQV